The following is an entry in ClinVar:

ClinVar aggregate classification (germline): Pathogenic. Review status: criteria provided, multiple submitters, no conflicts (2 of 4 stars). 3 submissions from 3 submitters: Pathogenic (2). 1 of the submissions does not count toward it. Last evaluated 2023-04-13.

Conditions:
Fanconi anemia complementation group A (FANCA). Also called: FANCA-Related Fanconi Anemia; Fanconi anemia, group A. Identifiers: Orphanet 84, MedGen C3469521, MONDO:0009215, OMIM 227650.
Fanconi anemia (FA). Also called: Fanconi's anemia. Identifiers: Orphanet 84, MedGen C0015625, MeSH D005199, MONDO:0019391.

Submissions (3):

Baylor Genetics
Classification: Pathogenic for Fanconi anemia complementation group A. Last evaluated: 2023-04-13. Review status: criteria provided, single submitter. Criteria: ACMG Guidelines, 2015. Collection method: clinical testing. Allele origin: unknown.

Labcorp Genetics (formerly Invitae), Labcorp
Classification: Pathogenic for Fanconi anemia. Last evaluated: 2022-01-07. Review status: criteria provided, single submitter. Criteria: Invitae Variant Classification Sherloc (09022015). Collection method: clinical testing. Allele origin: germline.
Comment: For these reasons, this variant has been classified as Pathogenic. Algorithms developed to predict the effect of sequence changes on RNA splicing suggest that this variant may disrupt the consensus splice site. ClinVar contains an entry for this variant (Variation ID: 971775). This variant is also known as c.891_893+1del. This premature translational stop signal has been observed in individual(s) with Fanconi anemia (PMID: 11091222). This variant is not present in population databases (gnomAD no frequency). This sequence change creates a premature translational stop signal (p.Trp298Serfs*12) in the FANCA gene. It is expected to result in an absent or disrupted protein product. Loss-of-function variants in FANCA are known to be pathogenic (PMID: 19367192).

Leiden Open Variation Database
Classification: Pathogenic for Fanconi anemia complementation group A. Last evaluated: 2020-02-28. Review status: no assertion criteria provided. Collection method: curation. Allele origin: germline. Affected: yes. Not counted in ClinVar's aggregate classification.
Comment: Curator: Arleen D. Auerbach. Submitter to LOVD: Arleen D. Auerbach.

Literature cited by the submitters: PubMed 11091222 (cited by Labcorp Genetics (formerly Invitae), Labcorp and Leiden Open Variation Database); PubMed 19367192 (cited by Labcorp Genetics (formerly Invitae), Labcorp).

NM_000135.4(FANCA):c.891_893+1del

Gene: FANCA (FA complementation group A; minus strand). Cytogenetic location: 16q24.3.
Variant type: Deletion.
Coding change: c.891_893+1del on transcript NM_000135.4 (MANE Select); coding-DNA position 891 through the canonical splice donor site of the intron after coding-DNA position 893, 4 bases deleted (CTGG; older notation c.891_893+1delCTGG).
Molecular consequence: splice donor variant.
Genome position (GRCh38, 1-based): chr16:89,799,165-89,799,168, CCAG deleted on the plus strand (CTGG on the coding strand, the reverse complement: FANCA is on the minus strand); deleting any 4 consecutive bases within chr16:89,799,165-89,799,169 gives the same sequence; the c. name uses the placement nearest the transcript's 3' end. VCF-style (leftmost placement, unchanged base first): chr16-89799164-ACCAG-A. GRCh37 (hg19) VCF-style: chr16-89865572-ACCAG-A.
Other names: c.891_893+1del (NM_001286167.3, NM_001018112.3, NM_000135.2); c.795_797+1del (NM_001351830.2).
Identifiers: ClinVar variation 971775 (VCV000971775.11), dbSNP rs2040352874, ClinGen allele CA1139664973.